The following is an entry in ClinVar:

ClinVar aggregate classification (germline): Likely benign (1 of 4 stars; one submission).

Submission:

CeGaT Center for Human Genetics Tuebingen
Classification: Likely benign. Last evaluated: 2023-08-01. Review status: criteria provided, single submitter. Criteria: CeGaT Center For Human Genetics Tuebingen Variant Classification Criteria Version 2. Collection method: clinical testing. Allele origin: germline. Affected: yes. Observed: 2 variant alleles.
Comment: ANKRD36C: PM2:Supporting, BP4, BP7

NM_001393982.1(ANKRD36C):c.5436G>C (p.Leu1812=)

Gene: ANKRD36C (ankyrin repeat domain 36C; minus strand). Cytogenetic location: 2q11.1.
Variant type: single nucleotide variant.
Coding change: c.5436G>C on transcript NM_001393982.1 (MANE Select); coding-DNA position 5436, G replaced by C.
Protein change: p.Leu1812=; no amino-acid change (leucine 1812 retained).
Molecular consequence: synonymous variant.
Genome position (GRCh38, 1-based): chr2:95,855,848, C>G on the plus strand (G>C on the coding strand, the complement: ANKRD36C is on the minus strand). VCF-style: chr2-95855848-C-G. GRCh37 (hg19) VCF-style: chr2-96521596-C-G.
Other names: c.5511G>C, p.Leu1837= (NM_001310154.3).
Identifiers: ClinVar variation 2651127 (VCV002651127.24), dbSNP rs151242024, ClinGen allele CA52359235.